The following is an entry in ClinVar:

ClinVar aggregate classification (germline): Uncertain significance. Review status: criteria provided, multiple submitters, no conflicts (2 of 4 stars). 3 submissions from 3 submitters: Uncertain significance (3). Last evaluated 2025-07-21.

Conditions:
Interstitial lung disease due to ABCA3 deficiency. Also called: PULMONARY ALVEOLAR PROTEINOSIS, CONGENITAL, 3. Identifiers: Orphanet 440402, MedGen C1970456, MONDO:0012582, OMIM 610921.
ABCA3-related disorder. Also called: ABCA3-related condition.

Allele frequency attached by ClinVar (database versions not stated): TOPMed 0.00001; ExAC 0.00002; gnomAD exomes 0.00002 and 0.00003.
gnomAD v4.1: 47 of 1,613,916 alleles (0.0029%); highest among the groups gnomAD compares: Non-Finnish European, 0.0036%; no homozygotes.

Submissions (3):

PreventionGenetics, part of Exact Sciences
Classification: Uncertain significance for ABCA3-related condition. Last evaluated: 2025-07-21. Review status: criteria provided, single submitter. Criteria: ACMG Guidelines, 2015. Collection method: clinical testing. Allele origin: germline.
Comment: The ABCA3 c.3565G>A variant is predicted to result in the amino acid substitution p.Gly1189Ser. To our knowledge, this variant has not been reported in the literature. This variant is reported in 0.0058% of alleles in individuals of Latino descent in gnomAD. At this time, the clinical significance of this variant is uncertain due to the absence of conclusive functional and genetic evidence.

Department of Pathology and Laboratory Medicine, Sinai Health System
Classification: Uncertain significance for Interstitial lung disease due to ABCA3 deficiency. Last evaluated: 2023-01-23. Review status: criteria provided, single submitter. Criteria: ACMG Guidelines, 2015. Collection method: research. Allele origin: germline.

Illumina Laboratory Services, Illumina
Classification: Uncertain significance for Interstitial lung disease due to ABCA3 deficiency. Last evaluated: 2018-01-13. Review status: criteria provided, single submitter. Criteria: ICSL Variant Classification Criteria 13 December 2019. Collection method: clinical testing. Allele origin: germline.

NM_001089.3(ABCA3):c.3565G>A (p.Gly1189Ser)

Gene: ABCA3 (ATP binding cassette subfamily A member 3; minus strand). Cytogenetic location: 16p13.3.
Variant type: single nucleotide variant.
Coding change: c.3565G>A on transcript NM_001089.3 (MANE Select); coding-DNA position 3565, G replaced by A.
Protein change: p.Gly1189Ser; replaces glycine 1189 with serine.
Molecular consequence: missense variant.
Genome position (GRCh38, 1-based): chr16:2,284,917, C>T on the plus strand (G>A on the coding strand, the complement: ABCA3 is on the minus strand). VCF-style: chr16-2284917-C-T. GRCh37 (hg19) VCF-style: chr16-2334918-C-T.
Other names: short protein forms G1189S.
Identifiers: ClinVar variation 318410 (VCV000318410.7), dbSNP rs759169167, ClinGen allele CA7840459.